The following is an entry in ClinVar:

NM_000226.4(KRT9):c.500A>C (p.Tyr167Ser)

Gene: KRT9 (keratin 9; minus strand). Cytogenetic location: 17q21.2.
Variant type: single nucleotide variant.
Coding change: c.500A>C on transcript NM_000226.4 (MANE Select); coding-DNA position 500, A replaced by C.
Protein change: p.Tyr167Ser; replaces tyrosine 167 with serine.
Molecular consequence: missense variant.
Genome position (GRCh38, 1-based): chr17:41,571,493, T>G on the plus strand (A>C on the coding strand, the complement: KRT9 is on the minus strand). VCF-style: chr17-41571493-T-G. GRCh37 (hg19) VCF-style: chr17-39727745-T-G.
Other names: short protein forms Y167S.
Identifiers: ClinVar variation 1687438 (VCV001687438.1), dbSNP rs2144572252, ClinGen allele CA399500834.

ClinVar aggregate classification (germline): Likely pathogenic (1 of 4 stars; one submission).

Conditions:
Palmoplantar keratoderma, epidermolytic. Also called: Localized epidermolytic hyperkeratosis. Identifiers: MedGen C1721006, MONDO:0968949, HP:0007559.

Submission:

3billion
Classification: Likely pathogenic for Epidermolytic palmoplantar keratoderma, 1. Last evaluated: 2022-05-22. Review status: criteria provided, single submitter. Criteria: ACMG Guidelines, 2015. Collection method: clinical testing. Allele origin: germline. Affected: yes. Observed: 1 heterozygote.
Comment: The variant is not observed in the gnomAD v2.1.1 dataset. It is located in a mutational hot spot and/or well-established functional domain in which established pathogenic variants have been reported. Missense changes are a common disease-causing mechanism. In silico tool predictions suggest damaging effect of the variant on gene or gene product (REVEL: 0.88; 3Cnet: 0.99). Therefore, this variant is classified as likely pathogenic according to the recommendation of ACMG/AMP guideline.